The following is an entry in ClinVar:

NM_000361.3(THBD):c.153C>A (p.Ile51=)

Gene: THBD (thrombomodulin; minus strand). Cytogenetic location: 20p11.21.
Variant type: single nucleotide variant.
Coding change: c.153C>A on transcript NM_000361.3 (MANE Select); coding-DNA position 153, C replaced by A.
Protein change: p.Ile51=; no amino-acid change (isoleucine 51 retained).
Molecular consequence: synonymous variant.
Genome position (GRCh38, 1-based): chr20:23,049,352, G>T on the plus strand (C>A on the coding strand, the complement: THBD is on the minus strand). VCF-style: chr20-23049352-G-T. GRCh37 (hg19) VCF-style: chr20-23029989-G-T.
Identifiers: ClinVar variation 2695331 (VCV002695331.3), dbSNP rs1984680092, ClinGen allele CA510161145.

ClinVar aggregate classification (germline): Uncertain significance (1 of 4 stars; one submission).

Allele frequency attached by ClinVar (database versions not stated): gnomAD exomes below 0.00001.

Submission:

Labcorp Genetics (formerly Invitae), Labcorp
Classification: Uncertain significance. Last evaluated: 2023-11-12. Review status: criteria provided, single submitter. Criteria: Invitae Variant Classification Sherloc (09022015). Collection method: clinical testing. Allele origin: germline.
Comment: This sequence change affects codon 51 of the THBD mRNA. It is a 'silent' change, meaning that it does not change the encoded amino acid sequence of the THBD protein. This variant is not present in population databases (gnomAD no frequency). This variant has not been reported in the literature in individuals affected with THBD-related conditions. In summary, the available evidence is currently insufficient to determine the role of this variant in disease. Therefore, it has been classified as a Variant of Uncertain Significance.